The following is an entry in ClinVar:

NM_001008537.3(NEXMIF):c.4478T>G (p.Leu1493Arg)

Gene: NEXMIF (neurite extension and migration factor; minus strand). Cytogenetic location: Xq13.3.
Variant type: single nucleotide variant.
Coding change: c.4478T>G on transcript NM_001008537.3 (MANE Select); coding-DNA position 4478, T replaced by G.
Protein change: p.Leu1493Arg; replaces leucine 1493 with arginine.
Molecular consequence: missense variant.
Genome position (GRCh38, 1-based): chrX:74,739,478, A>C on the plus strand (T>G on the coding strand, the complement: NEXMIF is on the minus strand). VCF-style: chrX-74739478-A-C. GRCh37 (hg19) VCF-style: chrX-73959313-A-C.
Other names: short protein forms L1493R.
Identifiers: ClinVar variation 3061250 (VCV003061250.2), dbSNP rs770049770, ClinGen allele CA413663028.

ClinVar aggregate classification (germline): Uncertain significance (0 of 4 stars; one submission).

Conditions:
NEXMIF-related disorder. Also called: NEXMIF-related condition.

Submission:

PreventionGenetics, part of Exact Sciences
Classification: Uncertain significance for NEXMIF-related condition. Last evaluated: 2024-02-22. Review status: no assertion criteria provided. Collection method: clinical testing. Allele origin: germline.
Comment: The NEXMIF c.4478T>G variant is predicted to result in the amino acid substitution p.Leu1493Arg. To our knowledge, this variant has not been reported in the literature or in a large population database, indicating this variant is rare. At this time, the clinical significance of this variant is uncertain due to the absence of conclusive functional and genetic evidence.